The following is an entry in ClinVar:

NM_006618.5(KDM5B):c.408_411del

Gene: KDM5B (lysine demethylase 5B; minus strand). Cytogenetic location: 1q32.1.
Variant type: Microsatellite.
Coding change: c.408_411del on transcript NM_006618.5 (MANE Select); coding-DNA positions 408 to 411, 4 bases deleted (AGTT; older notation c.408_411delAGTT).
Molecular consequence: splice acceptor variant.
Genome position (GRCh38, 1-based): chr1:202,773,283-202,773,286, AACT deleted on the plus strand (AGTT on the coding strand, the reverse complement: KDM5B is on the minus strand); deleting any 4 consecutive bases within chr1:202,773,283-202,773,290 gives the same sequence; the c. name uses the placement nearest the transcript's 3' end. VCF-style (leftmost placement, unchanged base first): chr1-202773282-CAACT-C. GRCh37 (hg19) VCF-style: chr1-202742410-CAACT-C.
Identifiers: ClinVar variation 4082288 (VCV004082288.2).
Genomic context (GRCh38, chr1:202,773,282, plus strand): 5'-TGGTAGCAATTTTGGTCCATTTTCTATCCTTGCAAACAACTGCAAATCCACCTTCTTCTG[CAACT>C]AACTGTTAAAATAGCAAAATTAGAAACAACTATATGGAAGTCACTTCTAATCACATCTAA-3'

ClinVar aggregate classification (germline): Conflicting classifications of pathogenicity. Review status: criteria provided, conflicting classifications (1 of 4 stars). 2 submissions from 2 submitters: Likely pathogenic (1); Uncertain significance (1). Last evaluated 2022-09-08.

Conditions:
Intellectual developmental disorder, autosomal recessive 65. Also called: MENTAL RETARDATION, AUTOSOMAL RECESSIVE 65; Intellectual disability, autosomal recessive 65. Identifiers: MedGen C4748219, MONDO:0020850, OMIM 618109.
KDM5B-related disorder. Also called: KDM5B-related condition.

Submissions (2):

Medical Genetics Center, Maternal and Child Health Hospital of Hubei Province
Classification: Uncertain significance for Intellectual developmental disorder, autosomal recessive 65. Last evaluated: 2022-09-08. Review status: criteria provided, single submitter. Criteria: ACMG Guidelines, 2015. Collection method: clinical testing. Allele origin: de novo. Affected: yes.
Comment: PVS1 + PS2_Supporting + PM2_Supporting

Blueprint Genetics
Classification: Likely pathogenic for KDM5B-related disorders. Last evaluated: 2022-03-24. Review status: criteria provided, single submitter. Criteria: ACMG Guidelines, 2015. Collection method: clinical testing. Allele origin: germline. Affected: yes. Observed: 3 variant alleles.